The following is an entry in ClinVar:

NM_000701.8(ATP1A1):c.29A>G (p.Tyr10Cys)

Gene: ATP1A1 (ATPase Na+/K+ transporting subunit alpha 1; plus strand). Cytogenetic location: 1p13.1.
Variant type: single nucleotide variant.
Coding change: c.29A>G on transcript NM_000701.8 (MANE Select); coding-DNA position 29, A replaced by G.
Protein change: p.Tyr10Cys; replaces tyrosine 10 with cysteine.
Molecular consequence: missense variant. On other transcripts: 5 prime UTR variant (1).
Genome position (GRCh38, 1-based): chr1:116,384,030, A>G. VCF-style: chr1-116384030-A-G. GRCh37 (hg19) VCF-style: chr1-116926652-A-G.
Other names: c.29A>G, p.Tyr10Cys (NM_001160233.2); c.-65A>G (NM_001160234.2); short protein forms Y10C.
Identifiers: ClinVar variation 3688309 (VCV003688309.2).

ClinVar aggregate classification (germline): Uncertain significance (1 of 4 stars; one submission).

Submission:

Labcorp Genetics (formerly Invitae), Labcorp
Classification: Uncertain significance. Last evaluated: 2024-02-21. Review status: criteria provided, single submitter. Criteria: Invitae Variant Classification Sherloc (09022015). Collection method: clinical testing. Allele origin: germline.
Comment: This sequence change replaces tyrosine, which is neutral and polar, with cysteine, which is neutral and slightly polar, at codon 10 of the ATP1A1 protein (p.Tyr10Cys). This variant is not present in population databases (gnomAD no frequency). This variant has not been reported in the literature in individuals affected with ATP1A1-related conditions. An algorithm developed to predict the effect of missense changes on protein structure and function (PolyPhen-2) suggests that this variant is likely to be disruptive. In summary, the available evidence is currently insufficient to determine the role of this variant in disease. Therefore, it has been classified as a Variant of Uncertain Significance.